The following is an entry in ClinVar:

ClinVar aggregate classification (germline): Uncertain significance (1 of 4 stars; one submission).

Submission:

GeneDx
Classification: Uncertain significance. Last evaluated: 2024-10-03. Review status: criteria provided, single submitter. Criteria: GeneDx Variant Classification Process June 2021. Collection method: clinical testing. Allele origin: germline. Affected: yes.
Comment: Not observed at significant frequency in large population cohorts (gnomAD); Has not been previously published as pathogenic or benign to our knowledge; In silico analysis is inconclusive as to whether the variant alters gene splicing. In the absence of RNA/functional studies, the actual effect of this sequence change is unknown.

NM_001386298.1(CIC):c.4088-8_4088-7delinsAA

Gene: CIC (capicua transcriptional repressor; plus strand). Cytogenetic location: 19q13.2.
Variant type: Indel.
Coding change: c.4088-8_4088-7delinsAA on transcript NM_001386298.1 (MANE Select); 8 bases into the intron before coding-DNA position 4088 through 7 bases into the intron before coding-DNA position 4088, TC replaced by AA.
Molecular consequence: intron variant.
Genome position (GRCh38, 1-based): chr19:42,289,840-42,289,841, TC replaced by AA. VCF-style: chr19-42289840-TC-AA. GRCh37 (hg19) VCF-style: chr19-42793992-TC-AA.
Other names: c.4088-8_4088-7delinsAA (NM_001304815.2, NM_001379482.1, NM_001379480.1); c.1361-8_1361-7delinsAA (NM_015125.5, NM_001379484.1, NM_001379485.1).
Identifiers: ClinVar variation 3776684 (VCV003776684.1).